The following is an entry in ClinVar:

NM_000238.4(KCNH2):c.328G>A (p.Val110Met)

Gene: KCNH2 (potassium voltage-gated channel subfamily H member 2; minus strand). Cytogenetic location: 7q36.1.
Variant type: single nucleotide variant.
Coding change: c.328G>A on transcript NM_000238.4 (MANE Select); coding-DNA position 328, G replaced by A.
Protein change: p.Val110Met; replaces valine 110 with methionine.
Molecular consequence: missense variant.
Genome position (GRCh38, 1-based): chr7:150,959,716, C>T on the plus strand (G>A on the coding strand, the complement: KCNH2 is on the minus strand). VCF-style: chr7-150959716-C-T. GRCh37 (hg19) VCF-style: chr7-150656804-C-T.
Other names: c.40G>A, p.Val14Met (NM_001406753.1, NM_001406756.1); c.151G>A, p.Val51Met (NM_001406755.1); c.28G>A, p.Val10Met (NM_001406757.1); c.328G>A, p.Val110Met (NM_172056.3); short protein forms V10M, V110M, V14M, V51M.
Identifiers: ClinVar variation 1722036 (VCV001722036.5), dbSNP rs2486101568, ClinGen allele CA369863887.

ClinVar aggregate classification (germline): Uncertain significance (1 of 4 stars; one submission).

Conditions:
Long QT syndrome (LQTS). Identifiers: MedGen C0023976, MeSH D008133, MONDO:0002442. Disease mechanism: loss of function. Inheritance: Various modes of inheritance.

Submission:

Labcorp Genetics (formerly Invitae), Labcorp
Classification: Uncertain significance for Long QT syndrome. Last evaluated: 2024-03-04. Review status: criteria provided, single submitter. Criteria: Invitae Variant Classification Sherloc (09022015). Collection method: clinical testing. Allele origin: germline.
Comment: This sequence change replaces valine, which is neutral and non-polar, with methionine, which is neutral and non-polar, at codon 110 of the KCNH2 protein (p.Val110Met). This variant is not present in population databases (gnomAD no frequency). This variant has not been reported in the literature in individuals affected with KCNH2-related conditions. ClinVar contains an entry for this variant (Variation ID: 1722036). An algorithm developed to predict the effect of missense changes on protein structure and function (PolyPhen-2) suggests that this variant is likely to be disruptive. In summary, the available evidence is currently insufficient to determine the role of this variant in disease. Therefore, it has been classified as a Variant of Uncertain Significance.